The following is an entry in ClinVar:

NM_003900.5(SQSTM1):c.1043C>A (p.Pro348Gln)

Gene: SQSTM1 (sequestosome 1; plus strand). Cytogenetic location: 5q35.3.
Variant type: single nucleotide variant.
Coding change: c.1043C>A on transcript NM_003900.5 (MANE Select); coding-DNA position 1043, C replaced by A.
Protein change: p.Pro348Gln; replaces proline 348 with glutamine.
Molecular consequence: missense variant.
Genome position (GRCh38, 1-based): chr5:179,833,660, C>A. VCF-style: chr5-179833660-C-A. GRCh37 (hg19) VCF-style: chr5-179260660-C-A.
Other names: c.791C>A, p.Pro264Gln (NM_001142298.2, NM_001142299.2); short protein forms P264Q, P348Q.
Identifiers: ClinVar variation 3751953 (VCV003751953.2).

ClinVar aggregate classification (germline): Uncertain significance (1 of 4 stars; one submission).

Conditions:
Frontotemporal dementia and/or amyotrophic lateral sclerosis 1 (FTDALS1). Also called: Frontotemporal dementia with motor neuron disease 1; C9orf72 Frontotemporal Dementia and/or Amyotrophic Lateral Sclerosis. Identifiers: Orphanet 275872, MedGen C5779877, MONDO:0007105, OMIM 105550.
Paget disease of bone 2, early-onset (PDB2). Also called: Paget disease of bone 2. Identifiers: MedGen C4085251, MONDO:0011183, OMIM 602080.

Submission:

Labcorp Genetics (formerly Invitae), Labcorp
Classification: Uncertain significance for Paget disease of bone 2, early-onset; Frontotemporal dementia and/or amyotrophic lateral sclerosis 1. Last evaluated: 2024-08-23. Review status: criteria provided, single submitter. Criteria: Invitae Variant Classification Sherloc (09022015). Collection method: clinical testing. Allele origin: germline.
Comment: This sequence change replaces proline, which is neutral and non-polar, with glutamine, which is neutral and polar, at codon 348 of the SQSTM1 protein (p.Pro348Gln). This variant is not present in population databases (gnomAD no frequency). This variant has not been reported in the literature in individuals affected with SQSTM1-related conditions. Invitae Evidence Modeling of protein sequence and biophysical properties (such as structural, functional, and spatial information, amino acid conservation, physicochemical variation, residue mobility, and thermodynamic stability) indicates that this missense variant is not expected to disrupt SQSTM1 protein function with a negative predictive value of 80%. In summary, the available evidence is currently insufficient to determine the role of this variant in disease. Therefore, it has been classified as a Variant of Uncertain Significance.